The following is an entry in ClinVar:

ClinVar aggregate classification (germline): Uncertain significance (1 of 4 stars; one submission).

Conditions:
Neuropathy, hereditary sensory and autonomic, type 2A (HSAN2A). Also called: MORVAN DISEASE; NEUROPATHY, CONGENITAL SENSORY; NEUROPATHY, HEREDITARY SENSORY RADICULAR, AUTOSOMAL RECESSIVE; NEUROPATHY, HEREDITARY SENSORY, TYPE IIA; NEUROPATHY, PROGRESSIVE SENSORY, OF CHILDREN; WNK1-Related HSAN2 (HSAN2A). Identifiers: Orphanet 970, MedGen C2752089, MONDO:0024309, OMIM 201300.
Pseudohypoaldosteronism type 2C (PHA2C). Also called: Pseudohypoaldosteronism Type IIC. Identifiers: Orphanet 757, Orphanet 88940, MedGen C1840391, MONDO:0013778, OMIM 614492.

Allele frequency attached by ClinVar (database versions not stated): gnomAD exomes below 0.00001; TOPMed below 0.00001.
gnomAD v4.1: 1 of 1,614,086 alleles (0.000062%); highest among the groups gnomAD compares: Non-Finnish European, 0.000085%; no homozygotes.

Submission:

Labcorp Genetics (formerly Invitae), Labcorp
Classification: Uncertain significance for Neuropathy, hereditary sensory and autonomic, type 2A; Pseudohypoaldosteronism type 2C. Last evaluated: 2023-04-16. Review status: criteria provided, single submitter. Criteria: Invitae Variant Classification Sherloc (09022015). Collection method: clinical testing. Allele origin: germline.
Comment: This sequence change replaces histidine, which is basic and polar, with arginine, which is basic and polar, at codon 1886 of the WNK1 protein (p.His1886Arg). This variant is not present in population databases (gnomAD no frequency). This variant has not been reported in the literature in individuals affected with WNK1-related conditions. ClinVar contains an entry for this variant (Variation ID: 1059844). In summary, the available evidence is currently insufficient to determine the role of this variant in disease. Therefore, it has been classified as a Variant of Uncertain Significance. Advanced modeling of protein sequence and biophysical properties (such as structural, functional, and spatial information, amino acid conservation, physicochemical variation, residue mobility, and thermodynamic stability) performed at Invitae indicates that this missense variant is not expected to disrupt WNK1 protein function.

NM_018979.4(WNK1):c.4901A>G (p.His1634Arg)

Gene: WNK1 (WNK lysine deficient protein kinase 1; plus strand). Cytogenetic location: 12p13.33.
Variant type: single nucleotide variant.
Coding change: c.4901A>G on transcript NM_018979.4 (MANE Select); coding-DNA position 4901, A replaced by G.
Protein change: p.His1634Arg; replaces histidine 1634 with arginine.
Molecular consequence: missense variant.
Genome position (GRCh38, 1-based): chr12:885,705, A>G. VCF-style: chr12-885705-A-G. GRCh37 (hg19) VCF-style: chr12-994871-A-G.
Other names: c.5681A>G, p.His1894Arg (NM_001184985.2); c.4160A>G, p.His1387Arg (NM_014823.3); c.5657A>G, p.His1886Arg (NM_213655.5); short protein forms H1387R, H1634R, H1886R, H1894R.
Identifiers: ClinVar variation 1059844 (VCV001059844.9), dbSNP rs1307834864, ClinGen allele CA383332170.
Genomic context (GRCh38, chr12:885,705, plus strand): 5'-AGCAGACACTAATTCATAGTCAGCCTCAACCAGCTTTGCTTCCCAACCAGCCCCATACTC[A>G]TTGTCCTGAAGTAGATTCTGATACACAACCCAAAGCTCCTGGAATTGATGACATAAAGAC-3'
Protein context (NP_061852.3, residues 1624-1644): PALLPNQPHT[His1634Arg]CPEVDSDTQP